The following is an entry in ClinVar:

ClinVar aggregate classification (germline): Uncertain significance (1 of 4 stars; one submission).

Conditions:
Immunodeficiency 25. Also called: Immunodeficiency due to defect in cd3-zeta, somatic. Identifiers: MedGen C1857798, MONDO:0012426, OMIM 610163.

Allele frequency attached by ClinVar (database versions not stated): ExAC 0.00002; gnomAD 0.00002; TOPMed 0.00003; ESP Exome Variant Server 0.00015.
gnomAD v4.1: 86 of 1,613,684 alleles (0.0053%); highest among the groups gnomAD compares: Non-Finnish European, 0.007%; no homozygotes.

Submission:

Labcorp Genetics (formerly Invitae), Labcorp
Classification: Uncertain significance for Immunodeficiency 25. Last evaluated: 2022-03-19. Review status: criteria provided, single submitter. Criteria: Invitae Variant Classification Sherloc (09022015). Collection method: clinical testing. Allele origin: germline.
Comment: This sequence change replaces proline, which is neutral and non-polar, with arginine, which is basic and polar, at codon 163 of the CD247 protein (p.Pro163Arg). This variant is present in population databases (rs376046446, gnomAD 0.004%). This variant has not been reported in the literature in individuals affected with CD247-related conditions. Algorithms developed to predict the effect of missense changes on protein structure and function (SIFT, PolyPhen-2, Align-GVGD) all suggest that this variant is likely to be disruptive. In summary, the available evidence is currently insufficient to determine the role of this variant in disease. Therefore, it has been classified as a Variant of Uncertain Significance.

NM_198053.3(CD247):c.488C>G (p.Pro163Arg)

Gene: CD247 (CD247 molecule; minus strand). Cytogenetic location: 1q24.2.
Variant type: single nucleotide variant.
Coding change: c.488C>G on transcript NM_198053.3 (MANE Select); coding-DNA position 488, C replaced by G.
Protein change: p.Pro163Arg; replaces proline 163 with arginine.
Molecular consequence: missense variant.
Genome position (GRCh38, 1-based): chr1:167,431,688, G>C on the plus strand (C>G on the coding strand, the complement: CD247 is on the minus strand). VCF-style: chr1-167431688-G-C. GRCh37 (hg19) VCF-style: chr1-167400925-G-C.
Other names: c.485C>G, p.Pro162Arg (NM_000734.4); c.581C>G, p.Pro194Arg (NM_001378515.1); c.578C>G, p.Pro193Arg (NM_001378516.1); short protein forms P163R, P162R, P193R, P194R.
Identifiers: ClinVar variation 2196646 (VCV002196646.1), dbSNP rs376046446, ClinGen allele CA1225857.